The following is an entry in ClinVar:

ClinVar aggregate classification (germline): Uncertain significance (1 of 4 stars; one submission).

Submission:

Labcorp Genetics (formerly Invitae), Labcorp
Classification: Uncertain significance. Last evaluated: 2022-11-01. Review status: criteria provided, single submitter. Criteria: Invitae Variant Classification Sherloc (09022015). Collection method: clinical testing. Allele origin: germline.
Comment: In summary, the available evidence is currently insufficient to determine the role of this variant in disease. Therefore, it has been classified as a Variant of Uncertain Significance. Algorithms developed to predict the effect of missense changes on protein structure and function output the following: SIFT: "Deleterious"; PolyPhen-2: "Benign"; Align-GVGD: "Class C0". The isoleucine amino acid residue is found in multiple mammalian species, which suggests that this missense change does not adversely affect protein function. This variant has not been reported in the literature in individuals affected with RNF31-related conditions. This variant is present in population databases (rs765397489, gnomAD 0.003%). This sequence change replaces valine, which is neutral and non-polar, with isoleucine, which is neutral and non-polar, at codon 679 of the RNF31 protein (p.Val679Ile).

NM_017999.5(RNF31):c.2035G>A (p.Val679Ile)

Gene: RNF31 (ring finger protein 31; plus strand). Cytogenetic location: 14q12.
Variant type: single nucleotide variant.
Coding change: c.2035G>A on transcript NM_017999.5 (MANE Select); coding-DNA position 2035, G replaced by A.
Protein change: p.Val679Ile; replaces valine 679 with isoleucine.
Molecular consequence: missense variant.
Genome position (GRCh38, 1-based): chr14:24,151,897, G>A. VCF-style: chr14-24151897-G-A. GRCh37 (hg19) VCF-style: chr14-24621106-G-A.
Other names: c.1582G>A, p.Val528Ile (NM_001310332.2); short protein forms V528I, V679I.
Identifiers: ClinVar variation 2796837 (VCV002796837.3), dbSNP rs765397489, ClinGen allele CA7125955.